The following is an entry in ClinVar:

ClinVar aggregate classification (germline): Uncertain significance (1 of 4 stars; one submission).

Conditions:
Inborn genetic diseases. Identifiers: MedGen C0950123, MeSH D030342.

Submission:

Ambry Genetics
Classification: Uncertain significance for Inborn genetic diseases. Last evaluated: 2026-08-22. Review status: criteria provided, single submitter. Criteria: Ambry Variant Classification Scheme 2023. Collection method: clinical testing. Allele origin: germline.
Comment: The p.K1408Q variant (also known as c.4222A>C), located in coding exon 1 of the SAMD9L gene, results from an A to C substitution at nucleotide position 4222. The lysine at codon 1408 is replaced by glutamine, an amino acid with similar properties. This amino acid position is conserved. In addition, this alteration is predicted to be tolerated by in silico analysis. Based on the available evidence, the clinical significance of this variant remains unclear.

NM_152703.5(SAMD9L):c.4222A>C (p.Lys1408Gln)

Gene: SAMD9L (sterile alpha motif domain containing 9 like; minus strand). Cytogenetic location: 7q21.2.
Variant type: single nucleotide variant.
Coding change: c.4222A>C on transcript NM_152703.5 (MANE Select); coding-DNA position 4222, A replaced by C.
Protein change: p.Lys1408Gln; replaces lysine 1408 with glutamine.
Molecular consequence: missense variant.
Genome position (GRCh38, 1-based): chr7:93,131,750, T>G on the plus strand (A>C on the coding strand, the complement: SAMD9L is on the minus strand). VCF-style: chr7-93131750-T-G. GRCh37 (hg19) VCF-style: chr7-92761063-T-G.
Other names: c.4222A>C, p.Lys1408Gln (NM_001303496.3, NM_001303497.3, NM_001303498.3 and 5 more transcripts); short protein forms K1408Q.
Identifiers: ClinVar variation 5028961 (VCV005028961.1).